The following is an entry in ClinVar:

NM_004187.5(KDM5C):c.3539C>T (p.Thr1180Met)

Gene: KDM5C (lysine demethylase 5C; minus strand). Cytogenetic location: Xp11.22.
Variant type: single nucleotide variant.
Coding change: c.3539C>T on transcript NM_004187.5 (MANE Select); coding-DNA position 3539, C replaced by T.
Protein change: p.Thr1180Met; replaces threonine 1180 with methionine.
Molecular consequence: missense variant. On other transcripts: non-coding transcript variant (3).
Genome position (GRCh38, 1-based): chrX:53,194,638, G>A on the plus strand (C>T on the coding strand, the complement: KDM5C is on the minus strand). VCF-style: chrX-53194638-G-A. GRCh37 (hg19) VCF-style: chrX-53223820-G-A.
Other names: c.3338C>T, p.Thr1113Met (NM_001146702.2); c.3536C>T, p.Thr1179Met (NM_001282622.3, NM_001353979.2, NM_001353982.2); c.3539C>T, p.Thr1180Met (NM_001353978.3, NM_001353981.2, NM_001353984.2); short protein forms T1113M, T1179M, T1180M.
Identifiers: ClinVar variation 2062368 (VCV002062368.4), dbSNP rs781841978, ClinGen allele CA10419210.

ClinVar aggregate classification (germline): Uncertain significance (1 of 4 stars; one submission).

Conditions:
Spastic paraplegia. Identifiers: MedGen C0037772, HP:0001258.

Allele frequency attached by ClinVar (database versions not stated): ExAC 0.00001; gnomAD exomes 0.00001; TOPMed 0.00003; gnomAD 0.00005.
gnomAD v4.1: 16 of 1,210,387 alleles (0.0013%); highest among the groups gnomAD compares: African/African-American, 0.007%; no homozygotes.

Submission:

Labcorp Genetics (formerly Invitae), Labcorp
Classification: Uncertain significance for Spastic paraplegia. Last evaluated: 2025-04-19. Review status: criteria provided, single submitter. Criteria: Invitae Variant Classification Sherloc (09022015). Collection method: clinical testing. Allele origin: germline.
Comment: This sequence change replaces threonine, which is neutral and polar, with methionine, which is neutral and non-polar, at codon 1180 of the KDM5C protein (p.Thr1180Met). The frequency data for this variant in the population databases is considered unreliable, as metrics indicate poor data quality at this position in the gnomAD database. This variant has not been reported in the literature in individuals affected with KDM5C-related conditions. ClinVar contains an entry for this variant (Variation ID: 2062368). Invitae Evidence Modeling of protein sequence and biophysical properties (such as structural, functional, and spatial information, amino acid conservation, physicochemical variation, residue mobility, and thermodynamic stability) indicates that this missense variant is not expected to disrupt KDM5C protein function with a negative predictive value of 95%. In summary, the available evidence is currently insufficient to determine the role of this variant in disease. Therefore, it has been classified as a Variant of Uncertain Significance.